The following is an entry in ClinVar:

NM_000143.4(FH):c.59C>T (p.Ala20Val)

Gene: FH (fumarate hydratase; minus strand). Cytogenetic location: 1q43.
Variant type: single nucleotide variant.
Coding change: c.59C>T on transcript NM_000143.4 (MANE Select); coding-DNA position 59, C replaced by T.
Protein change: p.Ala20Val; replaces alanine 20 with valine.
Molecular consequence: missense variant.
Genome position (GRCh38, 1-based): chr1:241,519,664, G>A on the plus strand (C>T on the coding strand, the complement: FH is on the minus strand). VCF-style: chr1-241519664-G-A. GRCh37 (hg19) VCF-style: chr1-241682964-G-A.
Other names: short protein forms A20V.
Identifiers: ClinVar variation 826108 (VCV000826108.11), dbSNP rs1573889953, ClinGen allele CA345442915.

ClinVar aggregate classification (germline): Uncertain significance. Review status: criteria provided, multiple submitters, no conflicts (2 of 4 stars). 4 submissions from 4 submitters: Uncertain significance (3). 1 of the submissions does not count toward it. Last evaluated 2024-02-07.

Conditions:
Hereditary cancer-predisposing syndrome. Also called: Neoplastic Syndromes, Hereditary; Hereditary Cancer Syndrome; Hereditary neoplastic syndrome; Tumor predisposition. Identifiers: Orphanet 140162, MedGen C0027672, MeSH D009386, MONDO:0015356.
Fumarase deficiency (FMRD). Also called: Fumarate Hydratase Deficiency; Fumaric aciduria. Identifiers: Orphanet 24, MedGen C0342770, MONDO:0011730, OMIM 606812.

Allele frequency attached by ClinVar (database versions not stated): gnomAD exomes below 0.00001.
gnomAD v4.1: 1 of 1,547,914 alleles (0.000065%); highest among the groups gnomAD compares: African/African-American, 0.0014%; no homozygotes.

Submissions (4):

GeneDx
Classification: Uncertain significance. Last evaluated: 2024-02-07. Review status: criteria provided, single submitter. Criteria: GeneDx Variant Classification Process June 2021. Collection method: clinical testing. Allele origin: germline. Affected: yes.
Comment: Not observed at significant frequency in large population cohorts (gnomAD); In silico analysis supports that this missense variant does not alter protein structure/function; Has not been previously published as pathogenic or benign to our knowledge

Labcorp Genetics (formerly Invitae), Labcorp
Classification: Uncertain significance. Last evaluated: 2023-02-10. Review status: criteria provided, single submitter. Criteria: Invitae Variant Classification Sherloc (09022015). Collection method: clinical testing. Allele origin: germline.
Comment: This variant is not present in population databases (gnomAD no frequency). This sequence change replaces alanine, which is neutral and non-polar, with valine, which is neutral and non-polar, at codon 20 of the FH protein (p.Ala20Val). This variant has not been reported in the literature in individuals affected with FH-related conditions. ClinVar contains an entry for this variant (Variation ID: 826108). Advanced modeling of protein sequence and biophysical properties (such as structural, functional, and spatial information, amino acid conservation, physicochemical variation, residue mobility, and thermodynamic stability) performed at Invitae indicates that this missense variant is not expected to disrupt FH protein function. In summary, the available evidence is currently insufficient to determine the role of this variant in disease. Therefore, it has been classified as a Variant of Uncertain Significance.

Ambry Genetics
Classification: Uncertain significance for Hereditary cancer-predisposing syndrome. Last evaluated: 2022-09-14. Review status: criteria provided, single submitter. Criteria: Ambry Variant Classification Scheme 2023. Collection method: clinical testing. Allele origin: germline.
Comment: The p.A20V variant (also known as c.59C>T), located in coding exon 1 of the FH gene, results from a C to T substitution at nucleotide position 59. The alanine at codon 20 is replaced by valine, an amino acid with similar properties. This amino acid position is poorly conserved in available vertebrate species. In addition, the in silico prediction for this alteration is inconclusive. Since supporting evidence is limited at this time, the clinical significance of this alteration remains unclear.

Natera, Inc.
Classification: Uncertain significance for Fumarase Deficiency. Last evaluated: 2021-04-23. Review status: no assertion criteria provided. Collection method: clinical testing. Allele origin: germline. Not counted in ClinVar's aggregate classification.